The following is an entry in ClinVar:

NM_032578.4(MYPN):c.3792C>T (p.Tyr1264=)

Gene: MYPN (myopalladin; plus strand). Cytogenetic location: 10q21.3.
Variant type: single nucleotide variant.
Coding change: c.3792C>T on transcript NM_032578.4 (MANE Select); coding-DNA position 3792, C replaced by T.
Protein change: p.Tyr1264=; no amino-acid change (tyrosine 1264 retained).
Molecular consequence: synonymous variant. On other transcripts: non-coding transcript variant (2).
Genome position (GRCh38, 1-based): chr10:68,206,902, C>T. VCF-style: chr10-68206902-C-T. GRCh37 (hg19) VCF-style: chr10-69966659-C-T.
Other names: c.3792C>T, p.Tyr1264= (NM_001256267.2); c.2910C>T, p.Tyr970= (NM_001256268.2).
Identifiers: ClinVar variation 477760 (VCV000477760.55), dbSNP rs142307556, ClinGen allele CA5523144.

ClinVar aggregate classification (germline): Benign/Likely benign. Review status: criteria provided, multiple submitters, no conflicts (2 of 4 stars). 12 submissions from 12 submitters: Benign (1); Likely benign (7). 4 of the submissions do not count toward it. Last evaluated 2026-01-31.

Conditions:
Cardiovascular phenotype. Identifiers: MedGen CN230736.
Dilated cardiomyopathy 1KK (CMD1KK). Identifiers: Orphanet 154, Orphanet 75249, MedGen C3714995, MONDO:0014100, OMIM 615248.

Allele frequency attached by ClinVar (database versions not stated): gnomAD exomes 0.00017 and 0.00029; ExAC 0.00037; 1000 Genomes Project 30x 0.00078; 1000 Genomes Project 0.00080; gnomAD 0.00092 and 0.00100; ESP Exome Variant Server 0.00108; TOPMed 0.00113.
gnomAD v4.1: 419 of 1,614,042 alleles (0.026%); highest among the groups gnomAD compares: African/African-American, 0.35%; 2 homozygotes.

Submissions (12):

Labcorp Genetics (formerly Invitae), Labcorp
Classification: Likely benign for Dilated cardiomyopathy 1KK. Last evaluated: 2026-01-31. Review status: criteria provided, single submitter. Criteria: Invitae Variant Classification Sherloc (09022015). Collection method: clinical testing. Allele origin: germline.

Laboratory of Genetics, Children's Clinical University Hospital Latvia
Classification: Likely benign. Last evaluated: 2025-02-16. Review status: criteria provided, single submitter. Criteria: ACMG Guidelines, 2015. Collection method: clinical testing. Allele origin: germline. Affected: yes.

Blueprint Genetics
Classification: Likely benign. Last evaluated: 2024-07-17. Review status: criteria provided, single submitter. Criteria: ACMG Guidelines, 2015. Collection method: clinical testing. Allele origin: germline.

CeGaT Center for Human Genetics Tuebingen
Classification: Likely benign. Last evaluated: 2023-11-01. Review status: criteria provided, single submitter. Criteria: CeGaT Center For Human Genetics Tuebingen Variant Classification Criteria Version 2. Collection method: clinical testing. Allele origin: germline. Affected: yes. Observed: 2 variant alleles.
Comment: MYPN: BP4, BP7

Women's Health and Genetics/Laboratory Corporation of America, LabCorp
Classification: Benign. Last evaluated: 2023-08-19. Review status: criteria provided, single submitter. Criteria: LabCorp Variant Classification Summary - May 2015. Collection method: clinical testing. Allele origin: germline.

GeneDx
Classification: Likely benign. Last evaluated: 2020-06-08. Review status: criteria provided, single submitter. Criteria: GeneDx Variant Classification Process June 2021. Collection method: clinical testing. Allele origin: germline. Affected: yes.

ARUP Laboratories, Molecular Genetics and Genomics, ARUP Laboratories
Classification: Likely benign. Last evaluated: 2018-10-23. Review status: criteria provided, single submitter. Criteria: ARUP Molecular Germline Variant Investigation Process. Collection method: clinical testing. Allele origin: germline.

Ambry Genetics
Classification: Likely benign for Cardiovascular phenotype. Last evaluated: 2016-10-25. Review status: criteria provided, single submitter. Criteria: Ambry Variant Classification Scheme 2023. Collection method: clinical testing. Allele origin: germline.

Clinical Genetics, Academic Medical Center
Classification: Benign. Review status: no assertion criteria provided. Collection method: clinical testing. Allele origin: germline. Affected: yes. Study: VKGL Data-share Consensus. Not counted in ClinVar's aggregate classification.

Diagnostic Laboratory, Department of Genetics, University Medical Center Groningen
Classification: Likely benign for Dilated cardiomyopathy 1KK. Review status: no assertion criteria provided. Collection method: clinical testing. Allele origin: germline. Affected: yes. Study: VKGL Data-share Consensus. Not counted in ClinVar's aggregate classification.

Genome Diagnostics Laboratory, University Medical Center Utrecht
Classification: Likely benign. Review status: no assertion criteria provided. Collection method: clinical testing. Allele origin: germline. Affected: yes. Study: VKGL Data-share Consensus. Not counted in ClinVar's aggregate classification.

Laboratory of Diagnostic Genome Analysis, Leiden University Medical Center (LUMC)
Classification: Likely benign. Review status: no assertion criteria provided. Collection method: clinical testing. Allele origin: germline. Affected: yes. Study: VKGL Data-share Consensus. Not counted in ClinVar's aggregate classification.